The following is an entry in ClinVar:

ClinVar aggregate classification (germline): Uncertain significance. Review status: criteria provided, multiple submitters, no conflicts (2 of 4 stars). 2 submissions from 2 submitters: Uncertain significance (2). Last evaluated 2025-07-30.

Conditions:
DICER1-related tumor predisposition. Also called: DICER1-related pleuropulmonary blastoma cancer predisposition syndrome; DICER1 syndrome. Identifiers: Orphanet 284343, MedGen C3839822, MONDO:0100216.
Hereditary cancer-predisposing syndrome. Also called: Tumor predisposition; Neoplastic Syndromes, Hereditary; Hereditary Cancer Syndrome; Hereditary neoplastic syndrome. Identifiers: Orphanet 140162, MedGen C0027672, MeSH D009386, MONDO:0015356.

Submissions (2):

Labcorp Genetics (formerly Invitae), Labcorp
Classification: Uncertain significance for DICER1-related tumor predisposition. Last evaluated: 2025-07-30. Review status: criteria provided, single submitter. Criteria: Invitae Variant Classification Sherloc (09022015). Collection method: clinical testing. Allele origin: germline.
Comment: This sequence change replaces asparagine, which is neutral and polar, with aspartic acid, which is acidic and polar, at codon 1311 of the DICER1 protein (p.Asn1311Asp). This variant is not present in population databases (gnomAD no frequency). This variant has not been reported in the literature in individuals affected with DICER1-related conditions. ClinVar contains an entry for this variant (Variation ID: 2586429). Invitae Evidence Modeling of protein sequence and biophysical properties (such as structural, functional, and spatial information, amino acid conservation, physicochemical variation, residue mobility, and thermodynamic stability) indicates that this missense variant is not expected to disrupt DICER1 protein function with a negative predictive value of 95%. In summary, the available evidence is currently insufficient to determine the role of this variant in disease. Therefore, it has been classified as a Variant of Uncertain Significance.

Ambry Genetics
Classification: Uncertain significance for Hereditary cancer-predisposing syndrome. Last evaluated: 2023-08-30. Review status: criteria provided, single submitter. Criteria: Ambry Variant Classification Scheme 2023. Collection method: clinical testing. Allele origin: germline.
Comment: The p.N1311D variant (also known as c.3931A>G), located in coding exon 20 of the DICER1 gene, results from an A to G substitution at nucleotide position 3931. The asparagine at codon 1311 is replaced by aspartic acid, an amino acid with highly similar properties. This amino acid position is conserved. In addition, the in silico prediction for this alteration is inconclusive. Since supporting evidence is limited at this time, the clinical significance of this alteration remains unclear.

NM_177438.3(DICER1):c.3931A>G (p.Asn1311Asp)

Gene: DICER1 (dicer 1, ribonuclease III; minus strand). Cytogenetic location: 14q32.13.
Variant type: single nucleotide variant.
Coding change: c.3931A>G on transcript NM_177438.3 (MANE Select); coding-DNA position 3931, A replaced by G.
Protein change: p.Asn1311Asp; replaces asparagine 1311 with aspartic acid.
Molecular consequence: missense variant. On other transcripts: non-coding transcript variant (6).
Genome position (GRCh38, 1-based): chr14:95,103,465, T>C on the plus strand (A>G on the coding strand, the complement: DICER1 is on the minus strand). VCF-style: chr14-95103465-T-C. GRCh37 (hg19) VCF-style: chr14-95569802-T-C.
Other names: c.3931A>G, p.Asn1311Asp (NM_001195573.1, NM_001271282.3, NM_001291628.2 and 13 more transcripts); c.3649A>G, p.Asn1217Asp (NM_001395686.1); c.3526A>G, p.Asn1176Asp (NM_001395687.1, NM_001395688.1, NM_001395689.1 and 2 more transcripts); c.3364A>G, p.Asn1122Asp (NM_001395691.1); c.2248A>G, p.Asn750Asp (NM_001395697.1); short protein forms N1311D, N1176D, N750D, N1122D, N1217D.
Identifiers: ClinVar variation 2586429 (VCV002586429.5), dbSNP rs2542688527, ClinGen allele CA390873143.